The following is an entry in ClinVar:

NM_001048174.2(MUTYH):c.1232T>G (p.Leu411Arg)

Gene: MUTYH (mutY DNA glycosylase; minus strand). Cytogenetic location: 1p34.1.
Variant type: single nucleotide variant.
Coding change: c.1232T>G on transcript NM_001048174.2 (MANE Select); coding-DNA position 1232, T replaced by G.
Protein change: p.Leu411Arg; replaces leucine 411 with arginine.
Molecular consequence: missense variant. On other transcripts: non-coding transcript variant (2).
Genome position (GRCh38, 1-based): chr1:45,331,427, A>C on the plus strand (T>G on the coding strand, the complement: MUTYH is on the minus strand). VCF-style: chr1-45331427-A-C. GRCh37 (hg19) VCF-style: chr1-45797099-A-C.
Other names: c.1232T>G, p.Leu411Arg (NM_001048171.2, NM_001048173.2, NM_001293195.2 and 6 more transcripts); c.1235T>G, p.Leu412Arg (NM_001048172.2, NM_001407078.1, NM_001407086.1 and 1 more transcripts); c.1316T>G, p.Leu439Arg (NM_001128425.2); c.1277T>G, p.Leu426Arg (NM_001293190.2); c.1265T>G, p.Leu422Arg (NM_001293191.2, NM_001407069.1, NM_001407077.1); c.956T>G, p.Leu319Arg (NM_001293192.2, NM_001407091.1, NM_001293196.2); c.1193T>G, p.Leu398Arg (NM_001407079.1); c.1190T>G, p.Leu397Arg (NM_001407080.1); and 5 more; short protein forms L296R, L319R, L383R, L397R, L398R, L411R, L412R, L418R.
Identifiers: ClinVar variation 1709912 (VCV001709912.5), dbSNP rs587780745, ClinGen allele CA340132837.

ClinVar aggregate classification (germline): Uncertain significance. Review status: criteria provided, multiple submitters, no conflicts (2 of 4 stars). 2 submissions from 2 submitters: Uncertain significance (2). Last evaluated 2024-04-04.

Conditions:
Familial adenomatous polyposis 2. Also called: ADENOMAS, MULTIPLE COLORECTAL, AUTOSOMAL RECESSIVE; MUTYH Polyposis; MUTYH-related attenuated familial adenomatous polyposis; Adenomas, multiple colorectal; MUTYH-associated polyposis; COLORECTAL ADENOMATOUS POLYPOSIS, AUTOSOMAL RECESSIVE. Identifiers: Orphanet 220460, Orphanet 247798, MedGen C3272841, MONDO:0012041, OMIM 608456.
Hereditary cancer-predisposing syndrome. Also called: Hereditary neoplastic syndrome; Hereditary Cancer Syndrome; Tumor predisposition; Neoplastic Syndromes, Hereditary. Identifiers: Orphanet 140162, MedGen C0027672, MeSH D009386, MONDO:0015356.

Submissions (2):

Ambry Genetics
Classification: Uncertain significance for Hereditary cancer-predisposing syndrome. Last evaluated: 2024-04-04. Review status: criteria provided, single submitter. Criteria: Ambry Variant Classification Scheme 2023. Collection method: clinical testing. Allele origin: germline.
Comment: The p.L439R variant (also known as c.1316T>G), located in coding exon 13 of the MUTYH gene, results from a T to G substitution at nucleotide position 1316. The leucine at codon 439 is replaced by arginine, an amino acid with dissimilar properties. This amino acid position is conserved. In addition, this alteration is predicted to be deleterious by in silico analysis. Since supporting evidence is limited at this time, the clinical significance of this alteration remains unclear.

MGZ Medical Genetics Center
Classification: Uncertain significance for Familial adenomatous polyposis 2. Last evaluated: 2021-08-23. Review status: criteria provided, single submitter. Criteria: ACMG Guidelines, 2015. Collection method: clinical testing. Allele origin: germline. Affected: yes. Observed: 1 variant allele.
Comment: ACMG criteria applied: PM2_SUP, PP3